The following is an entry in ClinVar:

NM_001382430.1(AKT1):c.394G>A (p.Glu132Lys)

Gene: AKT1 (AKT serine/threonine kinase 1; minus strand). Cytogenetic location: 14q32.33.
Variant type: single nucleotide variant.
Coding change: c.394G>A on transcript NM_001382430.1 (MANE Select); coding-DNA position 394, G replaced by A.
Protein change: p.Glu132Lys; replaces glutamic acid 132 with lysine.
Molecular consequence: missense variant.
Genome position (GRCh38, 1-based): chr14:104,775,693, C>T on the plus strand (G>A on the coding strand, the complement: AKT1 is on the minus strand). VCF-style: chr14-104775693-C-T. GRCh37 (hg19) VCF-style: chr14-105242030-C-T.
Other names: c.394G>A, p.Glu132Lys (NM_001014431.2, NM_001014432.2, NM_001382431.1 and 3 more transcripts); short protein forms E132K.
Identifiers: ClinVar variation 861492 (VCV000861492.7), dbSNP rs1319030326, ClinGen allele CA391220078.

ClinVar aggregate classification (germline): Uncertain significance (1 of 4 stars; one submission).

Conditions:
Cowden syndrome 6 (CWS6). Identifiers: Orphanet 201, MedGen C3554519, MONDO:0014048, OMIM 615109.

Allele frequency attached by ClinVar (database versions not stated): gnomAD exomes below 0.00001; gnomAD 0.00001; TOPMed 0.00001.
gnomAD v4.1: 4 of 1,613,992 alleles (0.00025%); highest among the groups gnomAD compares: Non-Finnish European, 0.00034%; no homozygotes.

Submission:

Labcorp Genetics (formerly Invitae), Labcorp
Classification: Uncertain significance for Cowden syndrome 6. Last evaluated: 2023-05-31. Review status: criteria provided, single submitter. Criteria: Invitae Variant Classification Sherloc (09022015). Collection method: clinical testing. Allele origin: germline.
Comment: This variant has not been reported in the literature in individuals affected with AKT1-related conditions. In summary, the available evidence is currently insufficient to determine the role of this variant in disease. Therefore, it has been classified as a Variant of Uncertain Significance. An algorithm developed to predict the effect of missense changes on protein structure and function (PolyPhen-2) suggests that this variant is likely to be tolerated. ClinVar contains an entry for this variant (Variation ID: 861492). This variant is present in population databases (no rsID available, gnomAD 0.002%). This sequence change replaces glutamic acid, which is acidic and polar, with lysine, which is basic and polar, at codon 132 of the AKT1 protein (p.Glu132Lys).